The following is an entry in ClinVar:

NM_015214.3(DDHD2):c.694C>T (p.Arg232Ter)

Gene: DDHD2 (DDHD domain containing 2; plus strand). Cytogenetic location: 8p11.23.
Variant type: single nucleotide variant.
Coding change: c.694C>T on transcript NM_015214.3 (MANE Select); coding-DNA position 694, C replaced by T.
Protein change: p.Arg232Ter; replaces arginine 232 with a stop codon.
Molecular consequence: nonsense. On other transcripts: non-coding transcript variant (2), intron variant (1).
Genome position (GRCh38, 1-based): chr8:38,240,346, C>T. VCF-style: chr8-38240346-C-T. GRCh37 (hg19) VCF-style: chr8-38097864-C-T.
Other names: c.694C>T, p.Arg232Ter (NM_001164232.2, NM_001362911.2, NM_001362912.2 and 1 more transcripts); c.623-1904C>T (NM_001362913.2); short protein forms R232*.
Identifiers: ClinVar variation 634496 (VCV000634496.8), dbSNP rs1249841130, ClinGen allele CA370717859.

ClinVar aggregate classification (germline): Pathogenic. Review status: criteria provided, multiple submitters, no conflicts (2 of 4 stars). 3 submissions from 3 submitters: Pathogenic (3). Last evaluated 2023-08-28.

Conditions:
Hereditary spastic paraplegia 54. Also called: Spastic paraplegia 54, autosomal recessive. Identifiers: Orphanet 320380, MedGen C3539495, MONDO:0014018, OMIM 615033.

Allele frequency attached by ClinVar (database versions not stated): gnomAD 0.00001; gnomAD exomes below 0.00001; TOPMed below 0.00001.

Submissions (3):

Labcorp Genetics (formerly Invitae), Labcorp
Classification: Pathogenic for Hereditary spastic paraplegia 54. Last evaluated: 2023-08-28. Review status: criteria provided, single submitter. Criteria: Invitae Variant Classification Sherloc (09022015). Collection method: clinical testing. Allele origin: germline.
Comment: For these reasons, this variant has been classified as Pathogenic. ClinVar contains an entry for this variant (Variation ID: 634496). This variant has not been reported in the literature in individuals affected with DDHD2-related conditions. This variant is present in population databases (no rsID available, gnomAD 0.03%). This sequence change creates a premature translational stop signal (p.Arg232*) in the DDHD2 gene. It is expected to result in an absent or disrupted protein product. Loss-of-function variants in DDHD2 are known to be pathogenic (PMID: 23176823, 23486545).

Genomic Research Center, Shahid Beheshti University of Medical Sciences
Classification: Pathogenic for Spastic paraplegia 54, autosomal recessive. Last evaluated: 2019-01-01. Review status: criteria provided, single submitter. Criteria: ACMG Guidelines, 2015. Collection method: clinical testing. Allele origin: inherited. Affected: yes. Observed: 1 variant allele.

Clinical Genetics Service, Universitary Hospital 12 de Octubre
Classification: Pathogenic for Hereditary spastic paraplegia 54. Review status: criteria provided, single submitter. Criteria: ACMG Guidelines, 2015. Collection method: clinical testing. Allele origin: germline. Affected: yes.

Literature cited by the submitters: PubMed 23176823 (cited by Labcorp Genetics (formerly Invitae), Labcorp); PubMed 23486545 (cited by Labcorp Genetics (formerly Invitae), Labcorp).